The following is an entry in ClinVar:

NM_002095.6(GTF2E2):c.222G>A (p.Lys74=)

Gene: GTF2E2 (general transcription factor IIE subunit 2; minus strand). Cytogenetic location: 8p12.
Variant type: single nucleotide variant.
Coding change: c.222G>A on transcript NM_002095.6 (MANE Select); coding-DNA position 222, G replaced by A.
Protein change: p.Lys74=; no amino-acid change (lysine 74 retained).
Molecular consequence: synonymous variant.
Genome position (GRCh38, 1-based): chr8:30,635,068, C>T on the plus strand (G>A on the coding strand, the complement: GTF2E2 is on the minus strand). VCF-style: chr8-30635068-C-T. GRCh37 (hg19) VCF-style: chr8-30492585-C-T.
Other names: c.222G>A, p.Lys74= (NM_001348353.1).
Identifiers: ClinVar variation 2003919 (VCV002003919.28), dbSNP rs764547688, ClinGen allele CA4701041.

ClinVar aggregate classification (germline): Likely benign. Review status: criteria provided, multiple submitters, no conflicts (2 of 4 stars). 2 submissions from 2 submitters: Likely benign (2). Last evaluated 2024-07-17.

Allele frequency attached by ClinVar (database versions not stated): gnomAD exomes below 0.00001; TOPMed below 0.00001; ExAC 0.00001; gnomAD 0.00001.
gnomAD v4.1: 6 of 1,608,024 alleles (0.00037%); highest among the groups gnomAD compares: Non-Finnish European, 0.00051%; no homozygotes.

Submissions (2):

Labcorp Genetics (formerly Invitae), Labcorp
Classification: Likely benign. Last evaluated: 2024-07-17. Review status: criteria provided, single submitter. Criteria: Invitae Variant Classification Sherloc (09022015). Collection method: clinical testing. Allele origin: germline.

CeGaT Center for Human Genetics Tuebingen
Classification: Likely benign. Last evaluated: 2022-11-01. Review status: criteria provided, single submitter. Criteria: CeGaT Center For Human Genetics Tuebingen Variant Classification Criteria Version 2. Collection method: clinical testing. Allele origin: germline. Affected: yes. Observed: 1 variant allele.
Comment: GTF2E2: BP4, BP7